The following is an entry in ClinVar:

ClinVar aggregate classification (germline): Uncertain significance (1 of 4 stars; one submission).

Conditions:
Nemaline myopathy 2 (NEM2). Also called: Nemaline myopathy 2, autosomal recessive. Identifiers: MedGen C1850569, MONDO:0009725, OMIM 256030.

Allele frequency attached by ClinVar (database versions not stated): TOPMed below 0.00001.

Submission:

Labcorp Genetics (formerly Invitae), Labcorp
Classification: Uncertain significance for Nemaline myopathy 2. Last evaluated: 2022-09-27. Review status: criteria provided, single submitter. Criteria: Invitae Variant Classification Sherloc (09022015). Collection method: clinical testing. Allele origin: germline.
Comment: Algorithms developed to predict the effect of missense changes on protein structure and function are either unavailable or do not agree on the potential impact of this missense change (SIFT: "Deleterious"; PolyPhen-2: "Not Available"; Align-GVGD: "Class C0"). In summary, the available evidence is currently insufficient to determine the role of this variant in disease. Therefore, it has been classified as a Variant of Uncertain Significance. This variant has not been reported in the literature in individuals affected with NEB-related conditions. This sequence change replaces threonine, which is neutral and polar, with proline, which is neutral and non-polar, at codon 6173 of the NEB protein (p.Thr6173Pro). This variant is not present in population databases (gnomAD no frequency).

NM_001164508.2(NEB):c.18517A>C (p.Thr6173Pro)

Gene: NEB (nebulin; minus strand). Cytogenetic location: 2q23.3.
Variant type: single nucleotide variant.
Coding change: c.18517A>C on transcript NM_001164508.2 (MANE Select); coding-DNA position 18517, A replaced by C.
Protein change: p.Thr6173Pro; replaces threonine 6173 with proline.
Molecular consequence: missense variant.
Genome position (GRCh38, 1-based): chr2:151,563,885, T>G on the plus strand (A>C on the coding strand, the complement: NEB is on the minus strand). VCF-style: chr2-151563885-T-G. GRCh37 (hg19) VCF-style: chr2-152420399-T-G.
Other names: c.18517A>C, p.Thr6173Pro (NM_001164507.2, NM_001271208.2); c.13414A>C, p.Thr4472Pro (NM_004543.5); short protein forms T4472P, T6173P.
Identifiers: ClinVar variation 2420652 (VCV002420652.6), dbSNP rs2096238689, ClinGen allele CA348800321.